The following is an entry in ClinVar:

ClinVar aggregate classification (germline): Likely benign. Review status: criteria provided, multiple submitters, no conflicts (2 of 4 stars). 2 submissions from 2 submitters: Likely benign (2). Last evaluated 2025-12-28.

Conditions:
Intellectual developmental disorder, X-linked 1. Also called: MENTAL RETARDATION, X-LINKED 18; MENTAL RETARDATION, X-LINKED 78; Intellectual disability, X-linked 1; Atkin Flaitz Patil Smith syndrome. Identifiers: Orphanet 777, MedGen C2931498, MONDO:0010656, OMIM 309530.

Allele frequency attached by ClinVar (database versions not stated): TOPMed 0.00002; gnomAD exomes 0.00002 and 0.00001; ExAC 0.00002.
gnomAD v4.1: 24 of 1,201,079 alleles (0.002%); highest among the groups gnomAD compares: Admixed American, 0.0089%; no homozygotes.

Submissions (2):

Labcorp Genetics (formerly Invitae), Labcorp
Classification: Likely benign for Intellectual developmental disorder, X-linked 1. Last evaluated: 2025-12-28. Review status: criteria provided, single submitter. Criteria: Invitae Variant Classification Sherloc (09022015). Collection method: clinical testing. Allele origin: germline.

GeneDx
Classification: Likely benign. Last evaluated: 2017-10-24. Review status: criteria provided, single submitter. Criteria: GeneDx Variant Classification (06012015). Collection method: clinical testing. Allele origin: germline. Affected: yes.
Comment: This variant is considered likely benign or benign based on one or more of the following criteria: it is a conservative change, it occurs at a poorly conserved position in the protein, it is predicted to be benign by multiple in silico algorithms, and/or has population frequency not consistent with disease.

NM_001111125.3(IQSEC2):c.3314A>G (p.Asn1105Ser)

Gene: IQSEC2 (IQ motif and Sec7 domain ArfGEF 2; minus strand). Cytogenetic location: Xp11.22.
Variant type: single nucleotide variant.
Coding change: c.3314A>G on transcript NM_001111125.3 (MANE Select); coding-DNA position 3314, A replaced by G.
Protein change: p.Asn1105Ser; replaces asparagine 1105 with serine.
Molecular consequence: missense variant.
Genome position (GRCh38, 1-based): chrX:53,236,459, T>C on the plus strand (A>G on the coding strand, the complement: IQSEC2 is on the minus strand). VCF-style: chrX-53236459-T-C. GRCh37 (hg19) VCF-style: chrX-53265641-T-C.
Other names: c.2699A>G, p.Asn900Ser (NM_015075.2); short protein forms N1105S, N900S.
Identifiers: ClinVar variation 506413 (VCV000506413.10), dbSNP rs782624844, ClinGen allele CA10419815.